The following is an entry in ClinVar:

ClinVar aggregate classification (germline): Conflicting classifications of pathogenicity. Review status: criteria provided, conflicting classifications (1 of 4 stars). 2 submissions from 2 submitters: Uncertain significance (1); Likely benign (1). Last evaluated 2025-10-31.

Conditions:
MYRF-related disorder. Also called: MYRF-related disorders; MYRF-related condition.
Inborn genetic diseases. Identifiers: MedGen C0950123, MeSH D030342.

gnomAD v4.1: 48 of 1,613,812 alleles (0.003%); highest among the groups gnomAD compares: Admixed American, 0.048%; no homozygotes.

Submissions (2):

PreventionGenetics, part of Exact Sciences
Classification: Likely benign for MYRF-related condition. Last evaluated: 2025-10-31. Review status: criteria provided, single submitter. Criteria: ACMG Guidelines, 2015. Collection method: clinical testing. Allele origin: germline.
Comment: This variant is classified as likely benign based on ACMG/AMP sequence variant interpretation guidelines (Richards et al. 2015 PMID: 25741868, with internal and published modifications).

Ambry Genetics
Classification: Uncertain significance for Inborn genetic diseases. Last evaluated: 2024-09-24. Review status: criteria provided, single submitter. Criteria: Ambry Variant Classification Scheme 2023. Collection method: clinical testing. Allele origin: germline.

NM_001127392.3(MYRF):c.2375G>A (p.Arg792His)

Gene: MYRF (myelin regulatory factor; plus strand). Cytogenetic location: 11q12.2.
Variant type: single nucleotide variant.
Coding change: c.2375G>A on transcript NM_001127392.3 (MANE Select); coding-DNA position 2375, G replaced by A.
Protein change: p.Arg792His; replaces arginine 792 with histidine.
Molecular consequence: missense variant.
Genome position (GRCh38, 1-based): chr11:61,780,260, G>A. VCF-style: chr11-61780260-G-A. GRCh37 (hg19) VCF-style: chr11-61547732-G-A.
Other names: c.2375G>A (NM_001127392.2); c.2348G>A, p.Arg783His (NM_013279.4); short protein forms R792H, R783H.
Identifiers: ClinVar variation 3402149 (VCV003402149.2).
Genomic context (GRCh38, chr11:61,780,260, plus strand): 5'-TCACCCTTTTCTGTGGCTCCAGCGTGGTGTCCATGTCCACACTGTACGTGCTGAGCCTGC[G>A]CACAGAGGAGGACCTGGTAGACACTGATGGGTAGGTTCCTGGAGGCCAAGCCAAGCTGCC-3'
Protein context (NP_001120864.1, residues 782-802): SMSTLYVLSL[Arg792His]TEEDLVDTDG